The following is an entry in ClinVar:

ClinVar aggregate classification (germline): Likely benign (0 of 4 stars; one submission).

Conditions:
LAMB1-related disorder. Also called: LAMB1-related condition.

gnomAD v4.1: 1 of 1,613,970 alleles (0.000062%); highest among the groups gnomAD compares: East Asian, 0.0022%; no homozygotes.

Submission:

PreventionGenetics, part of Exact Sciences
Classification: Likely benign for LAMB1-related condition. Last evaluated: 2022-11-23. Review status: no assertion criteria provided. Collection method: clinical testing. Allele origin: germline.
Comment: This variant is classified as likely benign based on ACMG/AMP sequence variant interpretation guidelines (Richards et al. 2015 PMID: 25741868, with internal and published modifications).

NM_002291.3(LAMB1):c.4041G>A (p.Glu1347=)

Gene: LAMB1 (laminin subunit beta 1; minus strand). Cytogenetic location: 7q31.1.
Variant type: single nucleotide variant.
Coding change: c.4041G>A on transcript NM_002291.3 (MANE Select); coding-DNA position 4041, G replaced by A.
Protein change: p.Glu1347=; no amino-acid change (glutamic acid 1347 retained).
Molecular consequence: synonymous variant.
Genome position (GRCh38, 1-based): chr7:107,935,562, C>T on the plus strand (G>A on the coding strand, the complement: LAMB1 is on the minus strand). VCF-style: chr7-107935562-C-T. GRCh37 (hg19) VCF-style: chr7-107576007-C-T.
Identifiers: ClinVar variation 3358675 (VCV003358675.1).
Genomic context (GRCh38, chr7:107,935,562, plus strand): 5'-GAACTGGGATTCTCGCTCCATCATCACGTCTTCTACTCTGTCTCTCATGAGGGCTGACTG[C>T]TCCACAGTGCTGTTGGGTTCTGTGGTGGAGGCATTCACCCTCTCCTCTGCCTCAAGAGAC-3'
Protein context (NP_002282.2, residues 1337-1357): ASTTEPNSTV[Glu1347=]QSALMRDRVE